The following is an entry in ClinVar:

ClinVar aggregate classification (germline): Uncertain significance (1 of 4 stars; one submission).

gnomAD v4.1: 4 of 1,551,134 alleles (0.00026%); highest among the groups gnomAD compares: Admixed American, 0.0078%; no homozygotes.

Submission:

Labcorp Genetics (formerly Invitae), Labcorp
Classification: Uncertain significance. Last evaluated: 2024-02-24. Review status: criteria provided, single submitter. Criteria: Invitae Variant Classification Sherloc (09022015). Collection method: clinical testing. Allele origin: germline.
Comment: This sequence change replaces tryptophan, which is neutral and slightly polar, with arginine, which is basic and polar, at codon 52 of the SLC2A9 protein (p.Trp52Arg). This variant is present in population databases (no rsID available, gnomAD no frequency). This variant has not been reported in the literature in individuals affected with SLC2A9-related conditions. ClinVar contains an entry for this variant (Variation ID: 1506010). An algorithm developed to predict the effect of missense changes on protein structure and function (PolyPhen-2) suggests that this variant is likely to be disruptive. In summary, the available evidence is currently insufficient to determine the role of this variant in disease. Therefore, it has been classified as a Variant of Uncertain Significance.

NM_020041.3(SLC2A9):c.154T>A (p.Trp52Arg)

Genes: SLC2A9 (solute carrier family 2 member 9; minus strand), SLC2A9-AS3 (SLC2A9 antisense RNA 3; plus strand). Cytogenetic location: 4p16.1.
Variant type: single nucleotide variant.
Coding change: c.154T>A on transcript NM_020041.3 (MANE Select); coding-DNA position 154, T replaced by A.
Protein change: p.Trp52Arg; replaces tryptophan 52 with arginine.
Molecular consequence: missense variant.
Genome position (GRCh38, 1-based): chr4:10,019,070, A>T on the plus strand (T>A on the coding strand, the complement: SLC2A9 is on the minus strand). VCF-style: chr4-10019070-A-T. GRCh37 (hg19) VCF-style: chr4-10020694-A-T.
Other names: c.67T>A, p.Trp23Arg (NM_001001290.2); short protein forms W52R, W23R.
Identifiers: ClinVar variation 1506010 (VCV001506010.8), dbSNP rs569612872, ClinGen allele CA92220953.